The following is an entry in ClinVar:

ClinVar aggregate classification (germline): Uncertain significance (1 of 4 stars; one submission).

Submission:

Labcorp Genetics (formerly Invitae), Labcorp
Classification: Uncertain significance. Last evaluated: 2022-04-25. Review status: criteria provided, single submitter. Criteria: Invitae Variant Classification Sherloc (09022015). Collection method: clinical testing. Allele origin: germline.
Comment: This sequence change replaces isoleucine, which is neutral and non-polar, with valine, which is neutral and non-polar, at codon 370 of the CFI protein (p.Ile370Val). In summary, the available evidence is currently insufficient to determine the role of this variant in disease. Therefore, it has been classified as a Variant of Uncertain Significance. This variant is not present in population databases (gnomAD no frequency). This variant has not been reported in the literature in individuals affected with CFI-related conditions. Advanced modeling of protein sequence and biophysical properties (such as structural, functional, and spatial information, amino acid conservation, physicochemical variation, residue mobility, and thermodynamic stability) performed at Invitae indicates that this missense variant is not expected to disrupt CFI protein function.

NM_000204.5(CFI):c.1108A>G (p.Ile370Val)

Gene: CFI (complement factor I; minus strand). Cytogenetic location: 4q25.
Variant type: single nucleotide variant.
Coding change: c.1108A>G on transcript NM_000204.5 (MANE Select); coding-DNA position 1108, A replaced by G.
Protein change: p.Ile370Val; replaces isoleucine 370 with valine.
Molecular consequence: missense variant. On other transcripts: non-coding transcript variant (3).
Genome position (GRCh38, 1-based): chr4:109,749,258, T>C on the plus strand (A>G on the coding strand, the complement: CFI is on the minus strand). VCF-style: chr4-109749258-T-C. GRCh37 (hg19) VCF-style: chr4-110670414-T-C.
Other names: c.1132A>G, p.Ile378Val (NM_001318057.2, NM_001375278.1); c.1087A>G, p.Ile363Val (NM_001331035.2, NM_001375280.1, NM_001375282.1); c.1108A>G, p.Ile370Val (NM_001375279.1, NM_001375281.1); c.1051A>G, p.Ile351Val (NM_001375283.1); c.499A>G, p.Ile167Val (NM_001375284.1); short protein forms I167V, I370V, I378V, I351V, I363V.
Identifiers: ClinVar variation 1443363 (VCV001443363.6), dbSNP rs2126190924, ClinGen allele CA357858749.